The following is an entry in ClinVar:

NM_017763.6(RNF43):c.1497C>T (p.Ser499=)

Gene: RNF43 (ring finger protein 43; minus strand). Cytogenetic location: 17q22.
Variant type: single nucleotide variant.
Coding change: c.1497C>T on transcript NM_017763.6 (MANE Select); coding-DNA position 1497, C replaced by T.
Protein change: p.Ser499=; no amino-acid change (serine 499 retained).
Molecular consequence: synonymous variant.
Genome position (GRCh38, 1-based): chr17:58,358,279, G>A on the plus strand (C>T on the coding strand, the complement: RNF43 is on the minus strand). VCF-style: chr17-58358279-G-A. GRCh37 (hg19) VCF-style: chr17-56435640-G-A.
Other names: c.1497C>T, p.Ser499= (NM_001305544.3, NM_001438820.1, NM_001438821.1 and 1 more transcripts); c.1116C>T, p.Ser372= (NM_001305545.2, NM_001437987.1).
Identifiers: ClinVar variation 4155793 (VCV004155793.2).

ClinVar aggregate classification (germline): Benign/Likely benign. Review status: criteria provided, multiple submitters, no conflicts (2 of 4 stars). 2 submissions from 2 submitters: Benign (1); Likely benign (1). Last evaluated 2026-07-02.

Conditions:
Sessile serrated polyposis cancer syndrome (SSPCS). Identifiers: Orphanet 157798, MedGen C4310714, MONDO:0014919, OMIM 617108.

gnomAD v4.1: 2 of 1,614,140 alleles (0.00012%); highest among the groups gnomAD compares: South Asian, 0.0011%; no homozygotes.

Submissions (2):

Myriad Genetics, Inc.
Classification: Benign for Sessile serrated polyposis cancer syndrome. Last evaluated: 2026-07-02. Review status: criteria provided, single submitter. Criteria: Myriad Autosomal Dominant, Autosomal Recessive and X-Linked Classification Criteria (2023). Collection method: clinical testing. Allele origin: unknown.
Comment: This variant is considered benign. This variant is a silent/synonymous amino acid change and it is not expected to impact splicing.

Ambry Genetics
Classification: Likely benign. Last evaluated: 2025-08-23. Review status: criteria provided, single submitter. Criteria: Ambry Variant Classification Scheme 2023. Collection method: clinical testing. Allele origin: germline.